The following is an entry in ClinVar:

ClinVar aggregate classification (germline): Uncertain significance. Review status: criteria provided, multiple submitters, no conflicts (2 of 4 stars). 2 submissions from 2 submitters: Uncertain significance (2). Last evaluated 2023-10-04.

Conditions:
Inborn genetic diseases. Identifiers: MedGen C0950123, MeSH D030342.

Submissions (2):

Labcorp Genetics (formerly Invitae), Labcorp
Classification: Uncertain significance. Last evaluated: 2023-10-04. Review status: criteria provided, single submitter. Criteria: Invitae Variant Classification Sherloc (09022015). Collection method: clinical testing. Allele origin: germline.
Comment: This sequence change creates a premature translational stop signal (p.Gly165Cysfs*29) in the NEFH gene. It is expected to result in an absent or disrupted protein product. However, the current clinical and genetic evidence is not sufficient to establish whether loss-of-function variants in NEFH cause disease. This variant is not present in population databases (gnomAD no frequency). This variant has not been reported in the literature in individuals affected with NEFH-related conditions. ClinVar contains an entry for this variant (Variation ID: 1742480). In summary, the available evidence is currently insufficient to determine the role of this variant in disease. Therefore, it has been classified as a Variant of Uncertain Significance.

Ambry Genetics
Classification: Uncertain significance for Inborn genetic diseases. Last evaluated: 2020-11-09. Review status: criteria provided, single submitter. Criteria: Ambry Variant Classification Scheme 2023. Collection method: clinical testing. Allele origin: germline.
Comment: The c.469_491dup23 variant, located in coding exon 1 of the NEFH gene, results from a duplication of GTGCTGCGCCTGGGCGCGGCGCG at nucleotide position 469, causing a translational frameshift with a predicted alternate stop codon (p.G165Cfs*29). This alteration is expected to result in premature protein truncation or nonsense-mediated mRNA decay. However, loss of function of NEFH has not been clearly established as a mechanism of disease. Since supporting evidence is limited at this time, the clinical significance of this alteration remains unclear.

NM_021076.4(NEFH):c.469_491dup (p.Gly165fs)

Gene: NEFH (neurofilament heavy chain; plus strand). Cytogenetic location: 22q12.2.
Variant type: Duplication.
Coding change: c.469_491dup on transcript NM_021076.4 (MANE Select); coding-DNA positions 469 to 491, 23 bases duplicated (GTGCTGCGCCTGGGCGCGGCGCG).
Protein change: p.Gly165fs; shifts the reading frame from glycine 165.
Molecular consequence: frameshift variant.
Genome position (GRCh38, 1-based): chr22:29,480,731-29,480,753, GTGCTGCGCCTGGGCGCGGCGCG duplicated; duplicating any 23 consecutive bases within chr22:29,480,721-29,480,753 gives the same sequence; the c. name uses the placement nearest the transcript's 3' end. VCF-style (leftmost placement, unchanged base first): chr22-29480720-T-TGCGCGGCGCGGTGCTGCGCCTGG. GRCh37 (hg19) VCF-style: chr22-29876709-T-TGCGCGGCGCGGTGCTGCGCCTGG.
Other names: short protein forms G165fs.
Identifiers: ClinVar variation 1742480 (VCV001742480.5), dbSNP rs763364083, ClinGen allele CA1024931139.